The following is an entry in ClinVar:

NM_001199397.3(NEK1):c.1081-9_1081-8dup

Gene: NEK1 (NIMA related kinase 1; minus strand). Cytogenetic location: 4q33.
Variant type: Duplication.
Coding change: c.1081-9_1081-8dup on transcript NM_001199397.3 (MANE Select); 9 bases into the intron before coding-DNA position 1081 through 8 bases into the intron before coding-DNA position 1081, 2 bases duplicated (TT; older notation c.1081-9_1081-8dupTT).
Molecular consequence: intron variant.
Genome position (GRCh38, 1-based): chr4:169,561,899-169,561,900, AA duplicated on the plus strand (TT on the coding strand, the reverse complement: NEK1 is on the minus strand); duplicating any 2 consecutive bases within chr4:169,561,899-169,561,906 gives the same sequence; the c. name uses the placement nearest the transcript's 3' end. VCF-style (leftmost placement, unchanged base first): chr4-169561898-T-TAA. GRCh37 (hg19) VCF-style: chr4-170483049-T-TAA.
Other names: c.1081-9_1081-8dup (NM_001374421.1, NM_001374420.1, NM_001199399.3 and 7 more transcripts).
Identifiers: ClinVar variation 3030957 (VCV003030957.3), dbSNP rs398124255, ClinGen allele CA556027110.
Genomic context (GRCh38, chr4:169,561,898, plus strand): 5'-CTTTTGTTTCTTTTCTTTTTCAATAAATTCCAGCCTTCTCTTTCTTGCTGCTTCCTTAAA[T>TAA]AAAAAAAAGAACATTTTAATCCATAATAATTCCTGTTTTTTCTAGTTTCATCAGGAAAGT-3'

ClinVar aggregate classification (germline): Benign. Review status: criteria provided, single submitter (1 of 4 stars). 2 submissions from 2 submitters: Benign (1). 1 of the submissions does not count toward it. Last evaluated 2025-12-23.

Conditions:
Short-rib thoracic dysplasia 6 with or without polydactyly (SRTD6). Also called: POLYDACTYLY WITH NEONATAL CHONDRODYSTROPHY, TYPE II; SHORT-RIB THORACIC DYSPLASIA 6 WITH POLYDACTYLY; SHORT-RIB THORACIC DYSPLASIA 6 WITHOUT POLYDACTYLY; Majewski Syndrome; SHORT RIB-POLYDACTYLY SYNDROME, TYPE IIA. Identifiers: MedGen C0024507, MONDO:0009894, OMIM 263520.
NEK1-related disorder. Also called: NEK1-related condition.

Submissions (2):

Labcorp Genetics (formerly Invitae), Labcorp
Classification: Benign for Short-rib thoracic dysplasia 6 with or without polydactyly. Last evaluated: 2025-12-23. Review status: criteria provided, single submitter. Criteria: Invitae Variant Classification Sherloc (09022015). Collection method: clinical testing. Allele origin: germline.

PreventionGenetics, part of Exact Sciences
Classification: Likely benign for NEK1-related condition. Last evaluated: 2022-03-11. Review status: no assertion criteria provided. Collection method: clinical testing. Allele origin: germline. Not counted in ClinVar's aggregate classification.
Comment: This variant is classified as likely benign based on ACMG/AMP sequence variant interpretation guidelines (Richards et al. 2015 PMID: 25741868, with internal and published modifications).